The following is an entry in ClinVar:

ClinVar aggregate classification (germline): Pathogenic (1 of 4 stars; one submission).

Conditions:
Intellectual developmental disorder with poor growth and with or without seizures or ataxia. Identifiers: MedGen C5394135, MONDO:0032930, OMIM 618808.

Submission:

3billion
Classification: Pathogenic for Intellectual developmental disorder with poor growth and with or without seizures or ataxia. Last evaluated: 2023-12-13. Review status: criteria provided, single submitter. Criteria: ACMG Guidelines, 2015. Collection method: clinical testing. Allele origin: germline. Affected: yes.
Comment: The variant is not observed in the gnomAD v2.1.1 dataset. Predicted Consequence/Location: Frameshift: predicted to result in a loss or disruption of normal protein function through nonsense-mediated decay (NMD) or protein truncation. Multiple pathogenic variants are reported downstream of the variant. Therefore, this variant is classified as Pathogenic according to the recommendation of ACMG/AMP guideline.

NM_001606.5(ABCA2):c.672del (p.Met225fs)

Gene: ABCA2 (ATP binding cassette subfamily A member 2; minus strand). Cytogenetic location: 9q34.3.
Variant type: Deletion.
Coding change: c.672del on transcript NM_001606.5 (MANE Select); coding-DNA position 672, one base deleted (G; older notation c.672delG).
Protein change: p.Met225fs; shifts the reading frame from methionine 225.
Molecular consequence: frameshift variant.
Genome position (GRCh38, 1-based): chr9:137,021,897, C deleted on the plus strand (G on the coding strand, the reverse complement: ABCA2 is on the minus strand); the first of 2 consecutive C bases (chr9:137,021,897-137,021,898); deleting either gives the same sequence. VCF-style (leftmost placement, unchanged base first): chr9-137021896-TC-T. GRCh37 (hg19) VCF-style: chr9-139916348-TC-T.
Other names: c.669del, p.Met224fs (NM_001411042.1); c.762del, p.Met255fs (NM_212533.3); short protein forms M224fs, M225fs, M255fs.
Identifiers: ClinVar variation 3775582 (VCV003775582.1).
Genomic context (GRCh38, chr9:137,021,896, plus strand): 5'-GCACCCCCAGAGGCAGGCAGCACTCCAGGCCCATCCCACACATGGATGCCCTCACCTCCA[TC>T]CGGAACAGGGGATTGCCCCCTAGGCGGCTCCAGGGCTCCTGACCCTTGTGGAGGCCAGAC-3'